The following is an entry in ClinVar:

NM_002691.4(POLD1):c.2953+2_2953+4dup

Gene: POLD1 (DNA polymerase delta 1, catalytic subunit; plus strand). Cytogenetic location: 19q13.33.
Variant type: Duplication.
Coding change: c.2953+2_2953+4dup on transcript NM_002691.4 (MANE Select); the canonical splice donor site of the intron after coding-DNA position 2953 through 4 bases into the intron after coding-DNA position 2953, 3 bases duplicated (TAC; older notation c.2953+2_2953+4dupTAC).
Molecular consequence: splice donor variant.
Genome position (GRCh38, 1-based): chr19:50,416,530-50,416,532, TAC duplicated. VCF-style (leftmost placement, unchanged base first): chr19-50416529-G-GTAC. GRCh37 (hg19) VCF-style: chr19-50919786-G-GTAC.
Other names: c.2953+2_2953+4dup (NM_001256849.1); c.3031+2_3031+4dup (NM_001308632.1).
Identifiers: ClinVar variation 945886 (VCV000945886.7), dbSNP rs2039299621, ClinGen allele CA1139666566.

ClinVar aggregate classification (germline): Uncertain significance (1 of 4 stars; one submission).

Conditions:
POLD1-related polyposis and colorectal cancer syndrome (CRCS10). Also called: Colorectal cancer 10; COLORECTAL CANCER, SUSCEPTIBILITY TO, ON CHROMOSOME 19q; Colorectal cancer, susceptibility to, 10. Identifiers: Orphanet 220460, MedGen C2675481, MONDO:0012953, OMIM 612591.

Submission:

Labcorp Genetics (formerly Invitae), Labcorp
Classification: Uncertain significance for POLD1-related polyposis and colorectal cancer syndrome. Last evaluated: 2024-07-08. Review status: criteria provided, single submitter. Criteria: Invitae Variant Classification Sherloc (09022015). Collection method: clinical testing. Allele origin: germline.
Comment: This sequence change falls in intron 23 of the POLD1 gene. It does not directly change the encoded amino acid sequence of the POLD1 protein. It affects a nucleotide within the consensus splice site. This variant is not present in population databases (gnomAD no frequency). This variant has not been reported in the literature in individuals affected with POLD1-related conditions. ClinVar contains an entry for this variant (Variation ID: 945886). Variants that disrupt the consensus splice site are a relatively common cause of aberrant splicing (PMID: 17576681, 9536098). Algorithms developed to predict the effect of sequence changes on RNA splicing suggest that this variant may disrupt the consensus splice site. In summary, the available evidence is currently insufficient to determine the role of this variant in disease. Therefore, it has been classified as a Variant of Uncertain Significance.

Literature cited by the submitters: PubMed 17576681; PubMed 9536098.